The following is an entry in ClinVar:

ClinVar aggregate classification (germline): Likely benign (1 of 4 stars; one submission).

Allele frequency attached by ClinVar (database versions not stated): 1000 Genomes Project 0.02576; 1000 Genomes Project 30x 0.02686; gnomAD 0.03265 and 0.03414; TOPMed 0.03588.

Submission:

GeneDx
Classification: Likely benign. Last evaluated: 2018-06-15. Review status: criteria provided, single submitter. Criteria: GeneDx Variant Classification (06012015). Collection method: clinical testing. Allele origin: germline. Affected: yes.
Comment: This variant is considered likely benign or benign based on one or more of the following criteria: it is a conservative change, it occurs at a poorly conserved position in the protein, it is predicted to be benign by multiple in silico algorithms, and/or has population frequency not consistent with disease.

NM_024675.4(PALB2):c.3113+196A>G

Gene: PALB2 (partner and localizer of BRCA2; minus strand). Cytogenetic location: 16p12.2.
Variant type: single nucleotide variant.
Coding change: c.3113+196A>G on transcript NM_024675.4 (MANE Select); 196 bases into the intron after coding-DNA position 3113, A replaced by G.
Molecular consequence: intron variant.
Genome position (GRCh38, 1-based): chr16:23,621,166, T>C on the plus strand (A>G on the coding strand, the complement: PALB2 is on the minus strand). VCF-style: chr16-23621166-T-C. GRCh37 (hg19) VCF-style: chr16-23632487-T-C.
Identifiers: ClinVar variation 677010 (VCV000677010.1), dbSNP rs113616057, ClinGen allele CA279533212.